The following is an entry in ClinVar:

NM_004304.5(ALK):c.4402G>A (p.Gly1468Arg)

Gene: ALK (ALK receptor tyrosine kinase; minus strand). Cytogenetic location: 2p23.2.
Variant type: single nucleotide variant.
Coding change: c.4402G>A on transcript NM_004304.5 (MANE Select); coding-DNA position 4402, G replaced by A.
Protein change: p.Gly1468Arg; replaces glycine 1468 with arginine.
Molecular consequence: missense variant.
Genome position (GRCh38, 1-based): chr2:29,193,685, C>T on the plus strand (G>A on the coding strand, the complement: ALK is on the minus strand). VCF-style: chr2-29193685-C-T. GRCh37 (hg19) VCF-style: chr2-29416551-C-T.
Other names: c.1198G>A, p.Gly400Arg (NM_001353765.2); short protein forms G1468R, G400R.
Identifiers: ClinVar variation 1721839 (VCV001721839.5), dbSNP rs1668944978, ClinGen allele CA346462219.
Genomic context (GRCh38, chr2:29,193,685, plus strand): 5'-CCGAAGGAGGGTTGGACTGAGAGAATGCCATATTCACGTGTCCCCCTTCCACGGCCGGCC[C>T]TCTAGGGACTCGAACAGAGATCTCTGCAGCTGTGGGTTTCTTTGCAGCCTTGCCAGAGGA-3'
Protein context (NP_004295.2, residues 1458-1478): AAEISVRVPR[Gly1468Arg]PAVEGGHVNM

ClinVar aggregate classification (germline): Uncertain significance (1 of 4 stars; one submission).

Conditions:
Neuroblastoma, susceptibility to, 3. Also called: ALK-Related Neuroblastic Tumor Susceptibility. Identifiers: Orphanet 635, MedGen C2751681, MONDO:0013083, OMIM 613014.

gnomAD v4.1: 2 of 1,613,764 alleles (0.00012%); highest among the groups gnomAD compares: Non-Finnish European, 0.00017%; no homozygotes.

Submission:

Labcorp Genetics (formerly Invitae), Labcorp
Classification: Uncertain significance for Neuroblastoma, susceptibility to, 3. Last evaluated: 2022-07-14. Review status: criteria provided, single submitter. Criteria: Invitae Variant Classification Sherloc (09022015). Collection method: clinical testing. Allele origin: germline.
Comment: In summary, the available evidence is currently insufficient to determine the role of this variant in disease. Therefore, it has been classified as a Variant of Uncertain Significance. Algorithms developed to predict the effect of missense changes on protein structure and function (SIFT, PolyPhen-2, Align-GVGD) all suggest that this variant is likely to be tolerated. This variant has not been reported in the literature in individuals affected with ALK-related conditions. This variant is not present in population databases (gnomAD no frequency). This sequence change replaces glycine, which is neutral and non-polar, with arginine, which is basic and polar, at codon 1468 of the ALK protein (p.Gly1468Arg).